The following is an entry in ClinVar:

NM_001458.5(FLNC):c.1831C>T (p.Pro611Ser)

Gene: FLNC (filamin C; plus strand). Cytogenetic location: 7q32.1.
Variant type: single nucleotide variant.
Coding change: c.1831C>T on transcript NM_001458.5 (MANE Select); coding-DNA position 1831, C replaced by T.
Protein change: p.Pro611Ser; replaces proline 611 with serine.
Molecular consequence: missense variant.
Genome position (GRCh38, 1-based): chr7:128,841,187, C>T. VCF-style: chr7-128841187-C-T. GRCh37 (hg19) VCF-style: chr7-128481241-C-T.
Other names: c.1831C>T, p.Pro611Ser (NM_001127487.2); short protein forms P611S.
Identifiers: ClinVar variation 2933604 (VCV002933604.3), dbSNP rs1808317570, ClinGen allele CA369227167.
Genomic context (GRCh38, chr7:128,841,187, plus strand): 5'-TTGCCTGATGCTGGATCCCCGACCCTCCCCCACCTTGCCCCAGGCTTCTCCATCGAGGGG[C>T]CCTCACAAGCCAAGATCGAATGTGACGACAAGGGGGATGGCTCCTGCGATGTGCGGTACT-3'
Protein context (NP_001449.3, residues 601-621): VGTLGFSIEG[Pro611Ser]SQAKIECDDK

ClinVar aggregate classification (germline): Uncertain significance (1 of 4 stars; one submission).

Conditions:
Hypertrophic cardiomyopathy 26. Also called: Cardiomyopathy, familial hypertrophic, 26. Identifiers: Orphanet 75249, MedGen C4310749, MONDO:0014883, OMIM 617047.
Myofibrillar myopathy 5. Also called: Filaminopathy (type); FILAMINOPATHY, AUTOSOMAL DOMINANT. Identifiers: Orphanet 171445, MedGen C1836050, MONDO:0012289, OMIM 609524.
Distal myopathy with posterior leg and anterior hand involvement. Also called: WILLIAMS DISTAL MYOPATHY. Identifiers: Orphanet 63273, MedGen C3279722, MONDO:0013550, OMIM 614065.

Allele frequency attached by ClinVar (database versions not stated): gnomAD exomes below 0.00001.
gnomAD v4.1: 1 of 1,613,898 alleles (0.000062%); highest among the groups gnomAD compares: East Asian, 0.0022%; no homozygotes.

Submission:

Labcorp Genetics (formerly Invitae), Labcorp
Classification: Uncertain significance for Distal myopathy with posterior leg and anterior hand involvement; Myofibrillar myopathy 5; Hypertrophic cardiomyopathy 26. Last evaluated: 2023-07-14. Review status: criteria provided, single submitter. Criteria: Invitae Variant Classification Sherloc (09022015). Collection method: clinical testing. Allele origin: germline.
Comment: In summary, the available evidence is currently insufficient to determine the role of this variant in disease. Therefore, it has been classified as a Variant of Uncertain Significance. Advanced modeling of protein sequence and biophysical properties (such as structural, functional, and spatial information, amino acid conservation, physicochemical variation, residue mobility, and thermodynamic stability) has been performed at Invitae for this missense variant, however the output from this modeling did not meet the statistical confidence thresholds required to predict the impact of this variant on FLNC protein function. This variant has not been reported in the literature in individuals affected with FLNC-related conditions. This variant is not present in population databases (gnomAD no frequency). This sequence change replaces proline, which is neutral and non-polar, with serine, which is neutral and polar, at codon 611 of the FLNC protein (p.Pro611Ser).